The following is an entry in ClinVar:

ClinVar aggregate classification (germline): Uncertain significance (1 of 4 stars; one submission).

gnomAD v4.1: 11 of 1,614,254 alleles (0.00068%); highest among the groups gnomAD compares: Admixed American, 0.0033%; no homozygotes.

Submission:

GeneDx
Classification: Uncertain significance. Last evaluated: 2025-05-22. Review status: criteria provided, single submitter. Criteria: GeneDx Variant Classification Process June 2021. Collection method: clinical testing. Allele origin: germline. Affected: yes.
Comment: In silico analysis suggests that this missense variant does not alter protein structure/function; Has not been previously published as pathogenic or benign to our knowledge

NM_006147.4(IRF6):c.982G>A (p.Ala328Thr)

Gene: IRF6 (interferon regulatory factor 6; minus strand). Cytogenetic location: 1q32.2.
Variant type: single nucleotide variant.
Coding change: c.982G>A on transcript NM_006147.4 (MANE Select); coding-DNA position 982, G replaced by A.
Protein change: p.Ala328Thr; replaces alanine 328 with threonine.
Molecular consequence: missense variant.
Genome position (GRCh38, 1-based): chr1:209,790,573, C>T on the plus strand (G>A on the coding strand, the complement: IRF6 is on the minus strand). VCF-style: chr1-209790573-C-T. GRCh37 (hg19) VCF-style: chr1-209963918-C-T.
Other names: c.697G>A, p.Ala233Thr (NM_001206696.2); short protein forms A233T, A328T.
Identifiers: ClinVar variation 4530741 (VCV004530741.1).